The following is an entry in ClinVar:

NM_000814.6(GABRB3):c.239T>A (p.Met80Lys)

Gene: GABRB3 (gamma-aminobutyric acid type A receptor subunit beta3; minus strand). Cytogenetic location: 15q12.
Variant type: single nucleotide variant.
Coding change: c.239T>A on transcript NM_000814.6 (MANE Select); coding-DNA position 239, T replaced by A.
Protein change: p.Met80Lys; replaces methionine 80 with lysine.
Molecular consequence: missense variant. On other transcripts: 5 prime UTR variant (1).
Genome position (GRCh38, 1-based): chr15:26,772,403, A>T on the plus strand (T>A on the coding strand, the complement: GABRB3 is on the minus strand). VCF-style: chr15-26772403-A-T. GRCh37 (hg19) VCF-style: chr15-27017550-A-T.
Other names: c.-113T>A (NM_001278631.2); c.239T>A, p.Met80Lys (NM_021912.5); short protein forms M80K.
Identifiers: ClinVar variation 3391509 (VCV003391509.1).

ClinVar aggregate classification (germline): Pathogenic (1 of 4 stars; one submission).

Submission:

GeneDx
Classification: Pathogenic. Last evaluated: 2024-06-09. Review status: criteria provided, single submitter. Criteria: GeneDx Variant Classification Process June 2021. Collection method: clinical testing. Allele origin: germline. Affected: yes.
Comment: Published functional studies demonstrate a damaging effect with the variant significantly affecting the function of GABRB3 channels (PMID: 35383156); In silico analysis supports that this missense variant has a deleterious effect on protein structure/function; Not observed at significant frequency in large population cohorts (gnomAD); This variant is associated with the following publications: (PMID: 34906499, 35723786, 35383156)